The following is an entry in ClinVar:

NM_006389.5(HYOU1):c.653G>A (p.Arg218Gln)

Gene: HYOU1 (hypoxia up-regulated 1; minus strand). Cytogenetic location: 11q23.3.
Variant type: single nucleotide variant.
Coding change: c.653G>A on transcript NM_006389.5 (MANE Select); coding-DNA position 653, G replaced by A.
Protein change: p.Arg218Gln; replaces arginine 218 with glutamine.
Molecular consequence: missense variant.
Genome position (GRCh38, 1-based): chr11:119,054,519, C>T on the plus strand (G>A on the coding strand, the complement: HYOU1 is on the minus strand). VCF-style: chr11-119054519-C-T. GRCh37 (hg19) VCF-style: chr11-118925231-C-T.
Other names: c.653G>A, p.Arg218Gln (NM_001130991.3); short protein forms R218Q.
Identifiers: ClinVar variation 1418983 (VCV001418983.8), dbSNP rs370502278, ClinGen allele CA229647975.
Genomic context (GRCh38, chr11:119,054,519, plus strand): 5'-ACCCTGCATGTCTGGTCAAGGCTCCCCTGGCTCACCTGGGCAGTGGTGTTAATATCTTTC[C>T]GGCGGAAGACACCATAGCTGAGGGCAGTGGCGGTGTTGTCATTGATGAGCTGCAGCACTT-3'
Protein context (NP_006380.1, residues 208-228): ATALSYGVFR[Arg218Gln]KDINTTAQNI

ClinVar aggregate classification (germline): Uncertain significance (1 of 4 stars; one submission).

Allele frequency attached by ClinVar (database versions not stated): gnomAD 0.00001; TOPMed 0.00001; gnomAD exomes 0.00002.
gnomAD v4.1: 29 of 1,614,016 alleles (0.0018%); highest among the groups gnomAD compares: Admixed American, 0.0083%; no homozygotes.

Submission:

Labcorp Genetics (formerly Invitae), Labcorp
Classification: Uncertain significance. Last evaluated: 2023-03-16. Review status: criteria provided, single submitter. Criteria: Invitae Variant Classification Sherloc (09022015). Collection method: clinical testing. Allele origin: germline.
Comment: This sequence change replaces arginine, which is basic and polar, with glutamine, which is neutral and polar, at codon 218 of the HYOU1 protein (p.Arg218Gln). In summary, the available evidence is currently insufficient to determine the role of this variant in disease. Therefore, it has been classified as a Variant of Uncertain Significance. Experimental studies and prediction algorithms are not available or were not evaluated, and the functional significance of this variant is currently unknown. ClinVar contains an entry for this variant (Variation ID: 1418983). This variant has not been reported in the literature in individuals affected with HYOU1-related conditions. This variant is present in population databases (rs370502278, gnomAD 0.009%).